The following is an entry in ClinVar:

ClinVar aggregate classification (germline): Pathogenic/Likely pathogenic. Review status: criteria provided, multiple submitters, no conflicts (2 of 4 stars). 6 submissions from 6 submitters: Pathogenic (4); Likely pathogenic (1). 1 of the submissions does not count toward it. Last evaluated 2025-02-26.

Conditions:
Hereditary cancer-predisposing syndrome. Also called: Neoplastic Syndromes, Hereditary; Tumor predisposition; Hereditary Cancer Syndrome; Hereditary neoplastic syndrome. Identifiers: Orphanet 140162, MedGen C0027672, MeSH D009386, MONDO:0015356.
BAP1-related tumor predisposition syndrome (TPDS1). Also called: Tumor susceptibility linked to germline BAP1 mutations; COMMON Syndrome; TUMOR PREDISPOSITION SYNDROME 1; BAP1 tumor predisposition syndrome. Identifiers: Orphanet 289539, MedGen C3280492, MONDO:0013692, OMIM 614327.

Allele frequency attached by ClinVar (database versions not stated): gnomAD exomes below 0.00001.
gnomAD v4.1: 1 of 1,614,108 alleles (0.000062%); highest among the groups gnomAD compares: East Asian, 0.0022%; no homozygotes.

Submissions (6):

Ambry Genetics
Classification: Pathogenic for Hereditary cancer-predisposing syndrome. Last evaluated: 2025-02-26. Review status: criteria provided, single submitter. Criteria: Ambry Variant Classification Scheme 2023. Collection method: clinical testing. Allele origin: germline.
Comment: The p.Q267* pathogenic mutation (also known as c.799C>T), located in coding exon 10 of the BAP1 gene, results from a C to T substitution at nucleotide position 799. This changes the amino acid from a glutamine to a stop codon within coding exon 10. This mutation has been detected in a family with uveal melanoma, mesothelioma and cutaneous melanoma (Abdel-Rahman MH et al. J Med Genet, 2011 Dec;48:856-9). This variant is considered to be rare based on population cohorts in the Genome Aggregation Database (gnomAD). In addition to the clinical data presented in the literature, this alteration is expected to result in loss of function by premature protein truncation or nonsense-mediated mRNA decay. As such, this alteration is interpreted as a disease-causing mutation.

Genetic Services Laboratory, University of Chicago
Classification: Likely pathogenic. Last evaluated: 2024-11-27. Review status: criteria provided, single submitter. Criteria: ACMG Guidelines, 2015. Collection method: clinical testing. Allele origin: germline. Affected: yes.
Comment: DNA sequence analysis of the BAP1 gene demonstrated a sequence change, c.799C>T, which results in the creation of a premature stop codon at amino acid position 267, p.Gln267*. This pathogenic sequence change is predicted to result in an abnormal transcript, which may be degraded, or may lead to the production of a truncated BAP1 protein with potentially abnormal function. This sequence change has been described in the gnomAD database in one individual which corresponds to a population frequency of 0.00006% (dbSNP rs387906849). This pathogenic sequence change has previously been described in several individuals from one family with BAP1 -related cancers, (PMID: 21941004). Loss-of-function variants in the BAP1 gene are known to be pathogenic (PMID: 21874000, 23684012). These collective evidences indicate that this sequence change is pathogenic, however functional studies have not been performed to prove this conclusively.

Myriad Genetics, Inc.
Classification: Pathogenic for BAP1-related tumor predisposition syndrome. Last evaluated: 2024-01-09. Review status: criteria provided, single submitter. Criteria: Myriad Autosomal Dominant, Autosomal Recessive and X-Linked Classification Criteria (2023). Collection method: clinical testing. Allele origin: unknown.
Comment: This variant is considered pathogenic. This variant creates a termination codon and is predicted to result in premature protein truncation.

Color Diagnostics, LLC DBA Color Health
Classification: Pathogenic for Hereditary cancer-predisposing syndrome. Last evaluated: 2023-10-26. Review status: criteria provided, single submitter. Criteria: ACMG Guidelines, 2015. Collection method: clinical testing. Allele origin: germline.
Comment: This variant changes 1 nucleotide in exon 10 of the BAP1 protein, creating a premature translation stop signal. This variant is expected to result in an absent or non-functional protein product. This variant has been reported in individuals affected with melanoma, meningioma, mesothelioma and lung cancer (PMID: 21941004, 27718540, 30883995). It has been shown that this variant segregates with disease in one family (PMID: 21941004). This variant has not been identified in the general population by the Genome Aggregation Database (gnomAD). Loss of BAP1 function is a known mechanism of disease. Based on the available evidence, this variant is classified as Pathogenic.

Labcorp Genetics (formerly Invitae), Labcorp
Classification: Pathogenic for BAP1-related tumor predisposition syndrome. Last evaluated: 2023-09-10. Review status: criteria provided, single submitter. Criteria: Invitae Variant Classification Sherloc (09022015). Collection method: clinical testing. Allele origin: germline.
Comment: This premature translational stop signal has been observed in individual(s) with BAP1-related disease (PMID: 21941004). It has also been observed to segregate with disease in related individuals. This sequence change creates a premature translational stop signal (p.Gln267*) in the BAP1 gene. It is expected to result in an absent or disrupted protein product. Loss-of-function variants in BAP1 are known to be pathogenic (PMID: 21874000, 23684012). This variant is not present in population databases (gnomAD no frequency). ClinVar contains an entry for this variant (Variation ID: 30305). For these reasons, this variant has been classified as Pathogenic.

OMIM
Classification: Pathogenic for TUMOR PREDISPOSITION SYNDROME 1. Last evaluated: 2011-12-01. Review status: no assertion criteria provided. Collection method: literature only. Allele origin: unknown. Not counted in ClinVar's aggregate classification.

Literature cited by the submitters: PubMed 21941004 (cited by 4 submitters); PubMed 27718540 (cited by Color Diagnostics, LLC DBA Color Health); PubMed 30883995 (cited by Color Diagnostics, LLC DBA Color Health); PubMed 21874000 (cited by Labcorp Genetics (formerly Invitae), Labcorp); PubMed 23684012 (cited by Labcorp Genetics (formerly Invitae), Labcorp).

NM_004656.4(BAP1):c.799C>T (p.Gln267Ter)

Gene: BAP1 (BRCA1 associated deubiquitinase 1; minus strand). Cytogenetic location: 3p21.1.
Variant type: single nucleotide variant.
Coding change: c.799C>T on transcript NM_004656.4 (MANE Select); coding-DNA position 799, C replaced by T.
Protein change: p.Gln267Ter; replaces glutamine 267 with a stop codon.
Molecular consequence: nonsense.
Genome position (GRCh38, 1-based): chr3:52,405,897, G>A on the plus strand (C>T on the coding strand, the complement: BAP1 is on the minus strand). VCF-style: chr3-52405897-G-A. GRCh37 (hg19) VCF-style: chr3-52439913-G-A.
Other names: short protein forms Q267*.
Identifiers: ClinVar variation 30305 (VCV000030305.17), dbSNP rs387906849, ClinGen allele CA129106.